The following is an entry in ClinVar:

ClinVar aggregate classification (germline): Pathogenic. Review status: no assertion criteria provided (0 of 4 stars). 3 submissions from 3 submitters: Pathogenic (2). 1 of the submissions does not count toward it. Last evaluated 2021-04-06.

Conditions:
Retinitis punctata albescens, autosomal dominant. Identifiers: MedGen C4016358.

Submissions (3):

Leiden Open Variation Database
Classification: Pathogenic. Last evaluated: 2021-04-06. Review status: no assertion criteria provided. Collection method: curation. Allele origin: germline. Affected: yes.
Comment: Curator: Global Variome, with Curator vacancy. Submitter to LOVD: Manon Peeters.

OMIM
Classification: Pathogenic for RETINITIS PUNCTATA ALBESCENS, AUTOSOMAL DOMINANT. Last evaluated: 1993-03-01. Review status: no assertion criteria provided. Collection method: literature only. Allele origin: germline.

Retina International
No classification provided. Review status: no classification provided. Collection method: not provided. Allele origin: not provided. Not counted in ClinVar's aggregate classification.

Literature cited by the submitters: PubMed 8485575 (cited by Leiden Open Variation Database and OMIM); Kajiwara, K., Sandberg, M. A., Berson, E. L., Dryja, T. P. A null mutation in the human RDS/peripherin gene in a family with autosomal dominant retinitis punctata albescens. (Abstract) Am. J. Hum. Genet. 51 (suppl.): A6-only, 1992. (cited by OMIM).

NM_000322.5(PRPH2):c.73_74del (p.Trp25fs)

Gene: PRPH2 (peripherin 2; minus strand). Cytogenetic location: 6p21.1.
Variant type: Deletion.
Coding change: c.73_74del on transcript NM_000322.5 (MANE Select); coding-DNA positions 73 to 74, 2 bases deleted (TG; older notation c.73_74delTG).
Protein change: p.Trp25fs; shifts the reading frame from tryptophan 25.
Molecular consequence: frameshift variant.
Genome position (GRCh38, 1-based): chr6:42,722,261-42,722,262, CA deleted on the plus strand (TG on the coding strand, the reverse complement: PRPH2 is on the minus strand). VCF-style (leftmost placement, unchanged base first): chr6-42722260-CCA-C. GRCh37 (hg19) VCF-style: chr6-42689998-CCA-C.
Other names: c.73_74del (NM_000322.4); short protein forms W25fs.
Identifiers: ClinVar variation 98707 (VCV000098707.3), dbSNP rs61755765, ClinGen allele CA226309.